The following is an entry in ClinVar:

NM_012233.3(RAB3GAP1):c.982_988delinsTTA (p.Val328fs)

Gene: RAB3GAP1 (RAB3 GTPase activating protein catalytic subunit 1; plus strand). Cytogenetic location: 2q21.3.
Variant type: Indel.
Coding change: c.982_988delinsTTA on transcript NM_012233.3 (MANE Select); coding-DNA positions 982 to 988, GTCACTG replaced by TTA.
Protein change: p.Val328fs; shifts the reading frame from valine 328.
Molecular consequence: frameshift variant.
Genome position (GRCh38, 1-based): chr2:135,130,003-135,130,009, GTCACTG replaced by TTA. VCF-style: chr2-135130003-GTCACTG-TTA. GRCh37 (hg19) VCF-style: chr2-135887573-GTCACTG-TTA.
Other names: c.982_988delinsTTA, p.Val328fs (NM_001172435.2); short protein forms V328fs.
Identifiers: ClinVar variation 817251 (VCV000817251.1), dbSNP rs1573578824, ClinGen allele CA915942791.

ClinVar aggregate classification (germline): Pathogenic (1 of 4 stars; one submission).

Submission:

GeneDx
Classification: Pathogenic. Last evaluated: 2018-09-25. Review status: criteria provided, single submitter. Criteria: GeneDx Variant Classification (06012015). Collection method: clinical testing. Allele origin: germline. Affected: yes.
Comment: The c.982_988delGTCACTGinsTTA variant in the RAB3GAP1 gene has not been reported previously as a pathogenic variant nor as a benign variant, to our knowledge. This variant causes a frameshift starting with codon Valine 328, changes this amino acid to a Leucine residue, and creates a premature Stop codon at position 32 of the new reading frame, denoted p.Val328LeufsX32. The c.982_988delGTCACTGinsTTA variant is predicted to cause loss of normal protein function either through protein truncation or nonsense-mediated mRNA decay. This variant is not observed in large population cohorts (Lek et al., 2016). We interpret c.982_988delGTCACTGinsTTA as a pathogenic variant.